The following is an entry in ClinVar:

NM_201378.4(PLEC):c.66C>G (p.Tyr22Ter)

Gene: PLEC (plectin; minus strand). Cytogenetic location: 8q24.3.
Variant type: single nucleotide variant.
Coding change: c.66C>G on transcript NM_201378.4 (MANE Plus Clinical); coding-DNA position 66, C replaced by G.
Protein change: p.Tyr22Ter; replaces tyrosine 22 with a stop codon.
Molecular consequence: nonsense. On other transcripts: intron variant (2).
Genome position (GRCh38, 1-based): chr8:143,973,407, G>C on the plus strand (C>G on the coding strand, the complement: PLEC is on the minus strand). VCF-style: chr8-143973407-G-C. GRCh37 (hg19) VCF-style: chr8-145047575-G-C.
Other names: c.193+1770C>G (NM_001410941.1, NM_000445.5); short protein forms Y22*.
Identifiers: ClinVar variation 1251951 (VCV001251951.10), dbSNP rs2132991341, ClinGen allele CA372487932.

ClinVar aggregate classification (germline): Pathogenic/Likely pathogenic. Review status: criteria provided, multiple submitters, no conflicts (2 of 4 stars). 2 submissions from 2 submitters: Pathogenic (1); Likely pathogenic (1). Last evaluated 2022-05-27.

Conditions:
Autosomal recessive limb-girdle muscular dystrophy type 2Q (LGMDR17). Also called: MUSCULAR DYSTROPHY, LIMB-GIRDLE, AUTOSOMAL RECESSIVE 17. Identifiers: Orphanet 254361, MedGen C3150989, MONDO:0013390, OMIM 613723.
Epidermolysis bullosa simplex with nail dystrophy (EBS5D). Identifiers: MedGen C4225309, MONDO:0014661, OMIM 616487.
Epidermolysis bullosa simplex, Ogna type (EBS5A). Also called: Pidermolysis bullosa simplex 5A, Ogna type; EPIDERMOLYSIS BULLOSA SIMPLEX 5A, OGNA TYPE. Identifiers: Orphanet 79401, MedGen C0432317, MONDO:0007555, OMIM 131950.
Epidermolysis bullosa simplex 5B, with muscular dystrophy (EBS5B). Also called: EPIDERMOLYSIS BULLOSA SIMPLEX AND LIMB-GIRDLE MUSCULAR DYSTROPHY; Epidermolysis bullosa simplex with muscular dystrophy. Identifiers: Orphanet 257, MedGen C2931072, MONDO:0009181, OMIM 226670.
Epidermolysis bullosa simplex 5C, with pyloric atresia (EBS5C). Also called: PLEC-Related Epidermolysis Bullosa with Pyloric Atresia; Epidermolysis bullosa simplex with pyloric atresia; PLEC1-Related Epidermolysis Bullosa with Pyloric Atresia. Identifiers: Orphanet 158684, MedGen C2677349, MONDO:0012807, OMIM 612138.

Submissions (2):

Labcorp Genetics (formerly Invitae), Labcorp
Classification: Pathogenic for Autosomal recessive limb-girdle muscular dystrophy type 2Q; Epidermolysis bullosa simplex, Ogna type; Epidermolysis bullosa simplex with nail dystrophy; Epidermolysis bullosa simplex 5C, with pyloric atresia; Epidermolysis bullosa simplex 5B, with muscular dystrophy. Last evaluated: 2022-05-27. Review status: criteria provided, single submitter. Criteria: Invitae Variant Classification Sherloc (09022015). Collection method: clinical testing. Allele origin: germline.
Comment: For these reasons, this variant has been classified as Pathogenic. Algorithms developed to predict the effect of sequence changes on RNA splicing suggest that this variant is not likely to affect RNA splicing. ClinVar contains an entry for this variant (Variation ID: 1251951). This variant has not been reported in the literature in individuals affected with PLEC-related conditions. This variant is not present in population databases (gnomAD no frequency). This sequence change creates a premature translational stop signal (p.Tyr22*) in the PLEC gene. It is expected to result in an absent or disrupted protein product. Loss-of-function variants in PLEC are known to be pathogenic (PMID: 20301336, 20447487, 21109228, 23289980, 28824526). The PLEC gene has multiple clinically relevant transcripts. This variant occurs in alternate transcript NM_201378.3, and corresponds to NM_000445.4:c.193+1770C>G in the primary transcript.

HudsonAlpha Institute for Biotechnology
Classification: Likely pathogenic for Autosomal recessive limb-girdle muscular dystrophy type 2Q. Last evaluated: 2021-07-20. Review status: criteria provided, single submitter. Criteria: ACMG Guidelines, 2015. Collection method: research. Allele origin: unknown. Affected: yes. Observed: 1 variant allele. Study: HudsonAlpha-AGHI-WGS.
Comment: ACMG codes:PVS1, PM2

Literature cited by the submitters: PubMed 20301336 (cited by Labcorp Genetics (formerly Invitae), Labcorp); PubMed 20447487 (cited by Labcorp Genetics (formerly Invitae), Labcorp); PubMed 21109228 (cited by Labcorp Genetics (formerly Invitae), Labcorp); PubMed 23289980 (cited by Labcorp Genetics (formerly Invitae), Labcorp); PubMed 28824526 (cited by Labcorp Genetics (formerly Invitae), Labcorp).